The following is an entry in ClinVar:

NM_024642.5(GALNT12):c.809A>G (p.Asn270Ser)

Gene: GALNT12 (polypeptide N-acetylgalactosaminyltransferase 12; plus strand). Cytogenetic location: 9q22.33.
Variant type: single nucleotide variant.
Coding change: c.809A>G on transcript NM_024642.5 (MANE Select); coding-DNA position 809, A replaced by G.
Protein change: p.Asn270Ser; replaces asparagine 270 with serine.
Molecular consequence: missense variant.
Genome position (GRCh38, 1-based): chr9:98,831,849, A>G. VCF-style: chr9-98831849-A-G. GRCh37 (hg19) VCF-style: chr9-101594131-A-G.
Other names: c.809A>G (NM_024642.4); short protein forms N270S.
Identifiers: ClinVar variation 1436960 (VCV001436960.8), dbSNP rs1416100156, ClinGen allele CA374218056.
Genomic context (GRCh38, chr9:98,831,849, plus strand): 5'-CGGCAGTGGTGTGCCCGGTGATTGATGTGATCGACTGGAACACCTTCGAATACCTGGGGA[A>G]CTCCGGGGAGCCCCAGATCGGCGGTTTCGACTGGAGGCTGGTGTTCACGTGGCACACAGT-3'
Protein context (NP_078918.3, residues 260-280): IDWNTFEYLG[Asn270Ser]SGEPQIGGFD

ClinVar aggregate classification (germline): Uncertain significance. Review status: criteria provided, multiple submitters, no conflicts (2 of 4 stars). 3 submissions from 3 submitters: Uncertain significance (3). Last evaluated 2023-12-31.

Conditions:
Colorectal cancer, susceptibility to, 1. Also called: COLORECTAL ADENOMA AND CANCER, SUSCEPTIBILITY TO; COLORECTAL CANCER, SUSCEPTIBILITY TO, ON CHROMOSOME 9. Identifiers: MedGen C1837315, MONDO:0012132, OMIM 608812.

Allele frequency attached by ClinVar (database versions not stated): gnomAD 0.00001.

Submissions (3):

Ambry Genetics
Classification: Uncertain significance. Last evaluated: 2023-12-31. Review status: criteria provided, single submitter. Criteria: Ambry Variant Classification Scheme 2023. Collection method: clinical testing. Allele origin: germline.
Comment: The p.N270S variant (also known as c.809A>G), located in coding exon 4 of the GALNT12 gene, results from an A to G substitution at nucleotide position 809. The asparagine at codon 270 is replaced by serine, an amino acid with highly similar properties. This amino acid position is conserved. In addition, this alteration is predicted to be tolerated by in silico analysis. Since supporting evidence is limited at this time, the clinical significance of this alteration remains unclear.

Baylor Genetics
Classification: Uncertain significance for Colorectal cancer, susceptibility to, 1. Last evaluated: 2023-06-30. Review status: criteria provided, single submitter. Criteria: ACMG Guidelines, 2015. Collection method: clinical testing. Allele origin: unknown.

Labcorp Genetics (formerly Invitae), Labcorp
Classification: Uncertain significance. Last evaluated: 2021-09-25. Review status: criteria provided, single submitter. Criteria: Invitae Variant Classification Sherloc (09022015). Collection method: clinical testing. Allele origin: germline.
Comment: In summary, the available evidence is currently insufficient to determine the role of this variant in disease. Therefore, it has been classified as a Variant of Uncertain Significance. Algorithms developed to predict the effect of missense changes on protein structure and function are either unavailable or do not agree on the potential impact of this missense change (SIFT: "Deleterious"; PolyPhen-2: "Probably Damaging"; Align-GVGD: "Class C0"). This variant has not been reported in the literature in individuals affected with GALNT12-related conditions. This variant is not present in population databases (ExAC no frequency). This sequence change replaces asparagine with serine at codon 270 of the GALNT12 protein (p.Asn270Ser). The asparagine residue is highly conserved and there is a small physicochemical difference between asparagine and serine.